The following is an entry in ClinVar:

ClinVar aggregate classification (germline): Pathogenic. Review status: reviewed by expert panel (3 of 4 stars). 3 submissions from 3 submitters: Pathogenic (1). 2 of the submissions do not count toward it. Last evaluated 2025-02-25.

Conditions:
Neuromuscular disease caused by qualitative or quantitative defects of dysferlin. Also called: Dysferlinopathy; Qualitative or quantitative defects of dysferlin. Identifiers: Orphanet 207073, MedGen C2931687, MONDO:0016145.
Autosomal recessive limb-girdle muscular dystrophy. Identifiers: Orphanet 102015, MedGen C2931907, MONDO:0015152.

Submissions (3):

ClinGen Limb Girdle Muscular Dystrophy Variant Curation Expert Panel, ClinGen
Classification: Pathogenic for Autosomal recessive limb-girdle muscular dystrophy. Last evaluated: 2025-02-25. Review status: reviewed by expert panel. Criteria: ClinGen LGMD VCEP ACMG Specifications DYSF V1.0.0. Collection method: curation. Allele origin: germline. Inheritance: Autosomal recessive inheritance.
Comment: The NM_003494.4: c.2077del p.(His693ThrfsTer4) variant in DYSF, which is also known as NM_001130987.2: c.2131del p.(His711ThrfsTer4), is a frameshift variant predicted to cause a premature stop codon in biologically relevant exon 22/55, leading to nonsense mediated decay in a gene in which loss of function is an established disease mechanism (PVS1). This variant has been reported in at least seven patients with LGMD (PMID: 21522182, 17994539, 36983702), including in a homozygous state in two individuals (1.0 pt, PMID: 21522182) (PM3). At least one patient with this variant had a clinical suspicion of LGMD and severely reduced or absent dysferlin protein expression, which is highly specific for DYSF-associated LGMD (PMID: 21522182, 17994539; PP4_Strong). This variant is absent in gnomAD v4.1.0 (PM2_Supporting). In summary, this variant meets the criteria to be classified as Pathogenic for autosomal recessive limb girdle muscular dystrophy based on the ACMG/AMP criteria applied, as specified by the ClinGen LGMD VCEP (LGMD VCEP specifications version 1.0.0; 02/25/2025): PVS1, PM3, PP4_Strong, PM2_Supporting.

Athena Diagnostics
Classification: Pathogenic. Last evaluated: 2023-11-21. Review status: criteria provided, single submitter. Criteria: Athena Diagnostics Criteria. Collection method: clinical testing. Allele origin: unknown. Not counted in ClinVar's aggregate classification.
Comment: This variant is expected to result in the loss of a functional protein. This variant has been identified in multiple unrelated individuals with limb-girdle muscular dystrophy or Miyoshi muscular dystrophy. This variant has not been reported in large, multi-ethnic general populations.

Labcorp Genetics (formerly Invitae), Labcorp
Classification: Pathogenic for Neuromuscular disease caused by qualitative or quantitative defects of dysferlin. Last evaluated: 2022-07-12. Review status: criteria provided, single submitter. Criteria: Invitae Variant Classification Sherloc (09022015). Collection method: clinical testing. Allele origin: germline. Not counted in ClinVar's aggregate classification.
Comment: This variant is not present in population databases (gnomAD no frequency). For these reasons, this variant has been classified as Pathogenic. This premature translational stop signal has been observed in individual(s) with DYSF-related conditions (PMID: 17994539). This sequence change creates a premature translational stop signal (p.His693Thrfs*4) in the DYSF gene. It is expected to result in an absent or disrupted protein product. Loss-of-function variants in DYSF are known to be pathogenic (PMID: 17698709, 20301480).

Literature cited by the submitters: PubMed 17994539 (cited by Athena Diagnostics and Labcorp Genetics (formerly Invitae), Labcorp); PubMed 19594366 (cited by Athena Diagnostics); PubMed 20618995 (cited by Athena Diagnostics); PubMed 21522182 (cited by Athena Diagnostics); PubMed 24028392 (cited by Athena Diagnostics); PubMed 27558075 (cited by Athena Diagnostics); PubMed 31268554 (cited by Athena Diagnostics); PubMed 17698709 (cited by Labcorp Genetics (formerly Invitae), Labcorp); PubMed 20301480 (cited by Labcorp Genetics (formerly Invitae), Labcorp).

NM_001130987.2(DYSF):c.2131del (p.His711fs)

Gene: DYSF (dysferlin; plus strand). Cytogenetic location: 2p13.2.
Variant type: Deletion.
Coding change: c.2131del on transcript NM_001130987.2 (MANE Select); coding-DNA position 2131, one base deleted (C; older notation c.2131delC).
Protein change: p.His711fs; shifts the reading frame from histidine 711.
Molecular consequence: frameshift variant.
Genome position (GRCh38, 1-based): chr2:71,555,986, C deleted; the last of 2 consecutive C bases (chr2:71,555,985-71,555,986); deleting either gives the same sequence. VCF-style (leftmost placement, unchanged base first): chr2-71555984-TC-T. GRCh37 (hg19) VCF-style: chr2-71783114-TC-T.
Other names: NM_001130987.2(DYSF):c.2131del; p.His711fs; c.2077del (NM_003494.3); c.2080del, p.His694fs (NM_001130455.2, NM_001130983.2); c.2035del, p.His679fs (NM_001130976.2, NM_001130977.2); c.2077del, p.His693fs (NM_001130978.2, NM_003494.4); c.2170del, p.His724fs (NM_001130979.2); c.2128del, p.His710fs (NM_001130980.2, NM_001130981.2); and 3 more; short protein forms H694fs, H710fs, H679fs, H693fs, H711fs, H680fs, H724fs, H725fs.
Identifiers: ClinVar variation 2203089 (VCV002203089.6), dbSNP rs1227708628, ClinGen allele CA892691290.